The following is an entry in ClinVar:

ClinVar aggregate classification (germline): Conflicting classifications of pathogenicity. Review status: criteria provided, conflicting classifications (1 of 4 stars). 3 submissions from 3 submitters: Uncertain significance (1); Likely benign (2). Last evaluated 2025-12-19.

Conditions:
Developmental and epileptic encephalopathy, 42 (DEE42A). Also called: Epileptic encephalopathy, early infantile, 42; DEVELOPMENTAL AND EPILEPTIC ENCEPHALOPATHY 42A; EPILEPTIC ENCEPHALOPATHY, EARLY INFANTILE, 42A. Identifiers: MedGen C4310716, MONDO:0014917, OMIM 617106.
Episodic ataxia type 2 (EA2). Also called: ATAXIA, EPISODIC, WITH NYSTAGMUS; ATAXIA, FAMILIAL PAROXYSMAL; CEREBELLAR ATAXIA, PAROXYSMAL, ACETAZOLAMIDE-RESPONSIVE; CEREBELLOPATHY, HEREDITARY PAROXYSMAL; EPISODIC ATAXIA, NYSTAGMUS-ASSOCIATED; ACETAZOLAMIDE-RESPONSIVE HEREDITARY PAROXYSMAL CEREBELLAR ATAXIA. Identifiers: Orphanet 97, MedGen C1720416, MONDO:0007163, OMIM 108500.
CACNA1A-related disorder. Also called: CACNA1A-related condition.
Inborn genetic diseases. Identifiers: MedGen C0950123, MeSH D030342.

Allele frequency attached by ClinVar (database versions not stated): gnomAD exomes below 0.00001; TOPMed 0.00005.
gnomAD v4.1: 15 of 1,594,868 alleles (0.00094%); highest among the groups gnomAD compares: African/African-American, 0.017%; no homozygotes.

Submissions (3):

Labcorp Genetics (formerly Invitae), Labcorp
Classification: Likely benign for Developmental and epileptic encephalopathy, 42; Episodic ataxia type 2. Last evaluated: 2025-12-19. Review status: criteria provided, single submitter. Criteria: Invitae Variant Classification Sherloc (09022015). Collection method: clinical testing. Allele origin: germline.

Ambry Genetics
Classification: Uncertain significance for Inborn genetic diseases. Last evaluated: 2024-11-25. Review status: criteria provided, single submitter. Criteria: Ambry Variant Classification Scheme 2023. Collection method: clinical testing. Allele origin: germline.

PreventionGenetics, part of Exact Sciences
Classification: Likely benign for CACNA1A-related condition. Last evaluated: 2024-10-18. Review status: criteria provided, single submitter. Criteria: ACMG Guidelines, 2015. Collection method: clinical testing. Allele origin: germline.
Comment: This variant is classified as likely benign based on ACMG/AMP sequence variant interpretation guidelines (Richards et al. 2015 PMID: 25741868, with internal and published modifications).

NM_001127222.2(CACNA1A):c.2600G>C (p.Arg867Pro)

Gene: CACNA1A (calcium voltage-gated channel subunit alpha1 A; minus strand). Cytogenetic location: 19p13.13.
Variant type: single nucleotide variant.
Coding change: c.2600G>C on transcript NM_001127222.2 (MANE Select); coding-DNA position 2600, G replaced by C.
Protein change: p.Arg867Pro; replaces arginine 867 with proline.
Molecular consequence: missense variant.
Genome position (GRCh38, 1-based): chr19:13,299,033, C>G on the plus strand (G>C on the coding strand, the complement: CACNA1A is on the minus strand). VCF-style: chr19-13299033-C-G. GRCh37 (hg19) VCF-style: chr19-13409847-C-G.
Other names: c.2612G>C, p.Arg871Pro (NM_000068.4, NM_023035.3); c.2603G>C, p.Arg868Pro (NM_001127221.2, NM_001174080.2); c.2600G>C (NM_001127222.1); short protein forms R868P, R871P, R867P.
Identifiers: ClinVar variation 937828 (VCV000937828.14), dbSNP rs754326939, ClinGen allele CA305506494.
Genomic context (GRCh38, chr19:13,299,033, plus strand): 5'-TGGCTTCCCGCCCAGGGCCTCCGTGCGTCCAGGCCCGCCGAGCCGCTGGGGTCCCGGGCC[C>G]GATCGTGGTAGCGGGCCTGTTTCCTGAGGAAGTCCTCGGCGCGCTGCTGGCCGAGGCGCT-3'
Protein context (NP_001120694.1, residues 857-877): FLRKQARYHD[Arg867Pro]ARDPSGSAGL